The following is an entry in ClinVar:

ClinVar aggregate classification (germline): Uncertain significance (1 of 4 stars; one submission).

Allele frequency attached by ClinVar (database versions not stated): gnomAD exomes below 0.00001.
gnomAD v4.1: 1 of 1,610,366 alleles (0.000062%); highest among the groups gnomAD compares: Non-Finnish European, 0.000085%; no homozygotes.

Submission:

ARUP Laboratories, Molecular Genetics and Genomics, ARUP Laboratories
Classification: Uncertain significance. Last evaluated: 2019-10-07. Review status: criteria provided, single submitter. Criteria: ARUP Molecular Germline Variant Investigation Process. Collection method: clinical testing. Allele origin: germline.
Comment: The INF2 c.3541C>T; p.Pro1181Ser variant, to our knowledge, is not reported in the medical literature or gene-specific databases. This variant is also absent from general population databases (Exome Variant Server, Genome Aggregation Database), indicating it is not a common polymorphism. The proline at codon 1181 is weakly conserved, and computational analyses (SIFT, PolyPhen-2) predict that this variant is tolerated. However, due to limited information, the clinical significance of the p.Pro1181Ser variant is uncertain at this time.

NM_022489.4(INF2):c.3541C>T (p.Pro1181Ser)

Gene: INF2 (inverted formin 2; plus strand). Cytogenetic location: 14q32.33.
Variant type: single nucleotide variant.
Coding change: c.3541C>T on transcript NM_022489.4 (MANE Select); coding-DNA position 3541, C replaced by T.
Protein change: p.Pro1181Ser; replaces proline 1181 with serine.
Molecular consequence: missense variant.
Genome position (GRCh38, 1-based): chr14:104,714,703, C>T. VCF-style: chr14-104714703-C-T. GRCh37 (hg19) VCF-style: chr14-105181040-C-T.
Other names: c.3541C>T, p.Pro1181Ser (NM_001031714.4); short protein forms P1181S.
Identifiers: ClinVar variation 993780 (VCV000993780.8), dbSNP rs1890210513, ClinGen allele CA391225118.
Genomic context (GRCh38, chr14:104,714,703, plus strand): 5'-GCCAGACCCCCTGCAGCAGGCCCAGGTGGGGATGAGGACGAGGACGAGGAGGACACGGCC[C>T]CAGAGTCCGCACTGGACACATCCCTGGACAAGTCCTTCTCCGAGGATGCGGTGACCGACT-3'
Protein context (NP_071934.3, residues 1171-1191): DEDEDEEDTA[Pro1181Ser]ESALDTSLDK